The following is an entry in ClinVar:

ClinVar aggregate classification (germline): Likely pathogenic (1 of 4 stars; one submission).

Conditions:
Joubert syndrome 18 (JBTS18). Identifiers: Orphanet 2754, MedGen C3553758, MONDO:0013896, OMIM 614815.
Orofacial-digital syndrome IV (OFD4). Also called: Orofaciodigital syndrome IV; BARAITSER-BURN SYNDROME; MOHR-MAJEWSKI SYNDROME; OFD SYNDROME WITH TIBIAL DEFECTS; OFD SYNDROME, BARAITSER-BURN TYPE; OFDS IV. Identifiers: Orphanet 2753, MedGen C0406727, MONDO:0009794, OMIM 258860.

Submission:

Labcorp Genetics (formerly Invitae), Labcorp
Classification: Likely pathogenic for Joubert syndrome 18; Orofacial-digital syndrome IV. Last evaluated: 2021-08-05. Review status: criteria provided, single submitter. Criteria: Invitae Variant Classification Sherloc (09022015). Collection method: clinical testing. Allele origin: germline.
Comment: In summary, the currently available evidence indicates that the variant is pathogenic, but additional data are needed to prove that conclusively. Therefore, this variant has been classified as Likely Pathogenic. Experimental studies and prediction algorithms are not available or were not evaluated, and the functional significance of this variant is currently unknown. This variant has been observed in individual(s) with clinical features of Joubert syndrome (Invitae). This variant is not present in population databases (ExAC no frequency). This sequence change results in a frameshift in the TCTN3 gene (p.Asn512Valfs*103). While this is not anticipated to result in nonsense mediated decay, it is expected to disrupt the last 96 amino acid(s) of the TCTN3 protein and extend the protein by 6 additional amino acid residues.

NM_015631.6(TCTN3):c.1529_1532dup (p.Asn512fs)

Gene: TCTN3 (tectonic family member 3; minus strand). Cytogenetic location: 10q24.1.
Variant type: Duplication.
Coding change: c.1529_1532dup on transcript NM_015631.6 (MANE Select); coding-DNA positions 1529 to 1532, 4 bases duplicated (TGTC; older notation c.1529_1532dupTGTC).
Protein change: p.Asn512fs; shifts the reading frame from asparagine 512.
Molecular consequence: frameshift variant.
Genome position (GRCh38, 1-based): chr10:95,680,530-95,680,533, GACA duplicated on the plus strand (TGTC on the coding strand, the reverse complement: TCTN3 is on the minus strand); duplicating any 4 consecutive bases within chr10:95,680,530-95,680,534 gives the same sequence; the c. name uses the placement nearest the transcript's 3' end. VCF-style (leftmost placement, unchanged base first): chr10-95680529-G-GGACA. GRCh37 (hg19) VCF-style: chr10-97440286-G-GGACA.
Other names: c.1085_1088dup, p.Asn364fs (NM_001143973.2); short protein forms N364fs, N512fs.
Identifiers: ClinVar variation 1481209 (VCV001481209.8), dbSNP rs2139731384, ClinGen allele CA2573145992.